The following is an entry in ClinVar:

NM_022089.4(ATP13A2):c.*207C>T

Gene: ATP13A2 (ATPase cation transporting 13A2; minus strand). Cytogenetic location: 1p36.13.
Variant type: single nucleotide variant.
Coding change: c.*207C>T on transcript NM_022089.4 (MANE Select); 207 bases downstream of the stop codon, C replaced by T.
Molecular consequence: 3 prime UTR variant. On other transcripts: nonsense (1).
Genome position (GRCh38, 1-based): chr1:16,986,014, G>A on the plus strand (C>T on the coding strand, the complement: ATP13A2 is on the minus strand). VCF-style: chr1-16986014-G-A. GRCh37 (hg19) VCF-style: chr1-17312509-G-A.
Other names: c.*207C>T (NM_001141973.3); c.3448C>T, p.Gln1150Ter (NM_001141974.3); short protein forms Q1150*.
Identifiers: ClinVar variation 2573607 (VCV002573607.1), dbSNP rs2522617372, ClinGen allele CA338230427.

ClinVar aggregate classification (germline): Uncertain significance (1 of 4 stars; one submission).

Submission:

Women's Health and Genetics/Laboratory Corporation of America, LabCorp
Classification: Uncertain significance. Last evaluated: 2023-06-15. Review status: criteria provided, single submitter. Criteria: LabCorp Variant Classification Summary - May 2015. Collection method: clinical testing. Allele origin: germline.
Comment: Variant summary: ATP13A2 c.*207C>T (NM_022089.3) is located in the untranslated mRNA region downstream of the termination codon, however, also corresponds to NM_001141974.3:c.3448C>T (p.Gln1150Ter), although NM_001141974.3 is expressed at lower levels across all tissues (gnomAD data). The variant was absent in 151988 control chromosomes (gnomAD v3.1.2). The available data on variant occurrences in the general population are insufficient to allow any conclusion about variant significance. To our knowledge, no occurrence of c.*207C>T in individuals affected with Neurodegeneration With Brain Iron Accumulation and no experimental evidence demonstrating its impact on protein function have been reported. No clinical diagnostic laboratories have submitted clinical-significance assessments for this variant to ClinVar after 2014. Based on the evidence outlined above, the variant was classified as uncertain significance.